The following is an entry in ClinVar:

ClinVar aggregate classification (germline): Benign. Review status: criteria provided, multiple submitters, no conflicts (2 of 4 stars). 4 submissions from 4 submitters: Benign (3). 1 of the submissions does not count toward it. Last evaluated 2023-09-08.

Conditions:
LAMA3-related disorder. Also called: LAMA3-related disorders; LAMA3-related condition.

Allele frequency attached by ClinVar (database versions not stated): gnomAD exomes 0.01386 and 0.02192; ExAC 0.02531; ESP Exome Variant Server 0.03570; gnomAD 0.03848 and 0.03872; TOPMed 0.04037; 1000 Genomes Project 0.05451; 1000 Genomes Project 30x 0.05762.
gnomAD v4.1: 26,421 of 1,613,008 alleles (1.6%); highest among the groups gnomAD compares: African/African-American, 11%; 780 homozygotes.

Submissions (4):

Labcorp Genetics (formerly Invitae), Labcorp
Classification: Benign. Last evaluated: 2023-09-08. Review status: criteria provided, single submitter. Criteria: Invitae Variant Classification Sherloc (09022015). Collection method: clinical testing. Allele origin: germline.

GeneDx
Classification: Benign. Last evaluated: 2018-11-12. Review status: criteria provided, single submitter. Criteria: GeneDx Variant Classification Process June 2021. Collection method: clinical testing. Allele origin: germline. Affected: yes.

Breakthrough Genomics
Classification: Benign. Review status: criteria provided, single submitter. Criteria: ACMG Guidelines, 2015. Collection method: not provided. Allele origin: germline. Inheritance: Autosomal recessive inheritance. Affected: yes.

PreventionGenetics, part of Exact Sciences
Classification: Benign for LAMA3-related condition. Last evaluated: 2019-07-03. Review status: no assertion criteria provided. Collection method: clinical testing. Allele origin: germline. Not counted in ClinVar's aggregate classification.
Comment: This variant is classified as benign based on ACMG/AMP sequence variant interpretation guidelines (Richards et al. 2015 PMID: 25741868, with internal and published modifications).

NM_198129.4(LAMA3):c.3066C>G (p.Leu1022=)

Gene: LAMA3 (laminin subunit alpha 3; plus strand). Cytogenetic location: 18q11.2.
Variant type: single nucleotide variant.
Coding change: c.3066C>G on transcript NM_198129.4 (MANE Select); coding-DNA position 3066, C replaced by G.
Protein change: p.Leu1022=; no amino-acid change (leucine 1022 retained).
Molecular consequence: synonymous variant.
Genome position (GRCh38, 1-based): chr18:23,837,062, C>G. VCF-style: chr18-23837062-C-G. GRCh37 (hg19) VCF-style: chr18-21417026-C-G.
Other names: c.3066C>G, p.Leu1022= (NM_001127717.4); c.3066C>G (NM_198129.2).
Identifiers: ClinVar variation 1164324 (VCV001164324.12), dbSNP rs35756007, ClinGen allele CA8915144.